The following is an entry in ClinVar:

NM_005751.5(AKAP9):c.3643A>G (p.Thr1215Ala)

Gene: AKAP9 (A-kinase anchoring protein 9; plus strand). Cytogenetic location: 7q21.2.
Variant type: single nucleotide variant.
Coding change: c.3643A>G on transcript NM_005751.5 (MANE Select); coding-DNA position 3643, A replaced by G.
Protein change: p.Thr1215Ala; replaces threonine 1215 with alanine.
Molecular consequence: missense variant.
Genome position (GRCh38, 1-based): chr7:92,016,159, A>G. VCF-style: chr7-92016159-A-G. GRCh37 (hg19) VCF-style: chr7-91645473-A-G.
Other names: c.3643A>G, p.Thr1215Ala (NM_147185.3); short protein forms T1215A.
Identifiers: ClinVar variation 1733528 (VCV001733528.2), dbSNP rs1801485947, ClinGen allele CA368126900.

ClinVar aggregate classification (germline): Uncertain significance (1 of 4 stars; one submission).

Conditions:
Cardiovascular phenotype. Identifiers: MedGen CN230736.

Submission:

Ambry Genetics
Classification: Uncertain significance for Cardiovascular phenotype. Last evaluated: 2022-01-26. Review status: criteria provided, single submitter. Criteria: Ambry Variant Classification Scheme 2023. Collection method: clinical testing. Allele origin: germline.
Comment: The p.T1215A variant (also known as c.3643A>G), located in coding exon 11 of the AKAP9 gene, results from an A to G substitution at nucleotide position 3643. The threonine at codon 1215 is replaced by alanine, an amino acid with similar properties. This amino acid position is conserved. In addition, this alteration is predicted to be tolerated by in silico analysis. Since supporting evidence is limited at this time, the clinical significance of this alteration remains unclear.